The following is an entry in ClinVar:

ClinVar aggregate classification (germline): Pathogenic (1 of 4 stars; one submission).

Conditions:
Congenital muscular hypertrophy-cerebral syndrome (CDLS2). Also called: SMC1A-Related Cornelia de Lange Syndrome; Cornelia de Lange syndrome 2. Identifiers: Orphanet 199, MedGen C1802395, MONDO:0010370, OMIM 300590.

Submission:

Labcorp Genetics (formerly Invitae), Labcorp
Classification: Pathogenic for Congenital muscular hypertrophy-cerebral syndrome. Last evaluated: 2018-12-17. Review status: criteria provided, single submitter. Criteria: Invitae Variant Classification Sherloc (09022015). Collection method: clinical testing. Allele origin: germline.
Comment: This variant has not been reported in the literature in individuals with SMC1A-related conditions. This variant is not present in population databases (ExAC no frequency). This sequence change creates a premature translational stop signal (p.Gln958Profs*23) in the SMC1A gene. It is expected to result in an absent or disrupted protein product. Loss-of-function variants in SMC1A are known to be pathogenic (PMID: 26386245, 27334371, 28166369, 28548707). For these reasons, this variant has been classified as Pathogenic.

Literature cited by the submitters: PubMed 26386245; PubMed 27334371; PubMed 28166369; PubMed 28548707.

NM_006306.4(SMC1A):c.2872dup (p.Gln958fs)

Gene: SMC1A (structural maintenance of chromosomes 1A; minus strand). Cytogenetic location: Xp11.22.
Variant type: Duplication.
Coding change: c.2872dup on transcript NM_006306.4 (MANE Select); coding-DNA position 2872, one base duplicated (C; older notation c.2872dupC).
Protein change: p.Gln958fs; shifts the reading frame from glutamine 958.
Molecular consequence: frameshift variant.
Genome position (GRCh38, 1-based): chrX:53,394,879, G duplicated on the plus strand (C on the coding strand, the reverse complement: SMC1A is on the minus strand); the first of 3 consecutive G bases (chrX:53,394,879-53,394,881); duplicating any one gives the same sequence. VCF-style (leftmost placement, unchanged base first): chrX-53394878-T-TG. GRCh37 (hg19) VCF-style: chrX-53421798-T-TG.
Other names: c.2806dup, p.Gln936fs (NM_001281463.1); short protein forms Q936fs, Q958fs.
Identifiers: ClinVar variation 655878 (VCV000655878.6), dbSNP rs1602404847, ClinGen allele CA915951065.